The following is an entry in ClinVar:

ClinVar aggregate classification (germline): Likely pathogenic (1 of 4 stars; one submission).

Conditions:
Neuromuscular disease caused by qualitative or quantitative defects of dysferlin. Also called: Dysferlinopathy; Qualitative or quantitative defects of dysferlin. Identifiers: Orphanet 207073, MedGen C2931687, MONDO:0016145.

gnomAD v4.1: 1 of 1,614,144 alleles (0.000062%); highest among the groups gnomAD compares: Non-Finnish European, 0.000085%; no homozygotes.

Submission:

Labcorp Genetics (formerly Invitae), Labcorp
Classification: Likely pathogenic for Neuromuscular disease caused by qualitative or quantitative defects of dysferlin. Last evaluated: 2024-01-25. Review status: criteria provided, single submitter. Criteria: Invitae Variant Classification Sherloc (09022015). Collection method: clinical testing. Allele origin: germline.
Comment: This sequence change replaces glycine, which is neutral and non-polar, with glutamic acid, which is acidic and polar, at codon 621 of the DYSF protein (p.Gly621Glu). This variant is not present in population databases (gnomAD no frequency). This variant has not been reported in the literature in individuals affected with DYSF-related conditions. Advanced modeling of protein sequence and biophysical properties (such as structural, functional, and spatial information, amino acid conservation, physicochemical variation, residue mobility, and thermodynamic stability) performed at Invitae indicates that this missense variant is expected to disrupt DYSF protein function with a positive predictive value of 95%. This variant disrupts the p.Gly621 amino acid residue in DYSF. Other variant(s) that disrupt this residue have been determined to be pathogenic (PMID: 16100712, 19528035, 21522182, 27602406). This suggests that this residue is clinically significant, and that variants that disrupt this residue are likely to be disease-causing. In summary, the currently available evidence indicates that the variant is pathogenic, but additional data are needed to prove that conclusively. Therefore, this variant has been classified as Likely Pathogenic.

Literature cited by the submitters: PubMed 16100712; PubMed 19528035; PubMed 21522182; PubMed 27602406.

NM_001130987.2(DYSF):c.1916G>A (p.Gly639Glu)

Gene: DYSF (dysferlin; plus strand). Cytogenetic location: 2p13.2.
Variant type: single nucleotide variant.
Coding change: c.1916G>A on transcript NM_001130987.2 (MANE Select); coding-DNA position 1916, G replaced by A.
Protein change: p.Gly639Glu; replaces glycine 639 with glutamic acid.
Molecular consequence: missense variant.
Genome position (GRCh38, 1-based): chr2:71,553,120, G>A. VCF-style: chr2-71553120-G-A. GRCh37 (hg19) VCF-style: chr2-71780250-G-A.
Other names: c.1865G>A, p.Gly622Glu (NM_001130455.2, NM_001130983.2); c.1820G>A, p.Gly607Glu (NM_001130976.2, NM_001130977.2); c.1862G>A, p.Gly621Glu (NM_001130978.2, NM_003494.4); c.1955G>A, p.Gly652Glu (NM_001130979.2); c.1913G>A, p.Gly638Glu (NM_001130980.2, NM_001130981.2); c.1958G>A, p.Gly653Glu (NM_001130982.2); c.1823G>A, p.Gly608Glu (NM_001130984.2, NM_001130986.2); c.1916G>A, p.Gly639Glu (NM_001130985.2); short protein forms G621E, G622E, G607E, G638E, G639E, G608E, G652E, G653E.
Identifiers: ClinVar variation 3709360 (VCV003709360.2).